The following is an entry in ClinVar:

NM_005068.3(SIM1):c.1083C>T (p.Thr361=)

Genes: SIM1 (SIM bHLH transcription factor 1; minus strand), SIM1-AS1 (SIM1 antisense RNA 1; plus strand). Cytogenetic location: 6q16.3.
Variant type: single nucleotide variant.
Coding change: c.1083C>T on transcript NM_005068.3 (MANE Select); coding-DNA position 1083, C replaced by T.
Protein change: p.Thr361=; no amino-acid change (threonine 361 retained).
Molecular consequence: synonymous variant.
Genome position (GRCh38, 1-based): chr6:100,420,874, G>A on the plus strand (C>T on the coding strand, the complement: SIM1 is on the minus strand). VCF-style: chr6-100420874-G-A. GRCh37 (hg19) VCF-style: chr6-100868750-G-A.
Other names: c.1083C>T, p.Thr361= (NM_001374769.1).
Identifiers: ClinVar variation 3353576 (VCV003353576.1).

ClinVar aggregate classification (germline): Likely benign (0 of 4 stars; one submission).

Conditions:
SIM1-related disorder. Also called: SIM1-related condition; SIM1-related disorders.

Submission:

PreventionGenetics, part of Exact Sciences
Classification: Likely benign for SIM1-related condition. Last evaluated: 2024-02-07. Review status: no assertion criteria provided. Collection method: clinical testing. Allele origin: germline.
Comment: This variant is classified as likely benign based on ACMG/AMP sequence variant interpretation guidelines (Richards et al. 2015 PMID: 25741868, with internal and published modifications).